The following is an entry in ClinVar:

ClinVar aggregate classification (germline): Uncertain significance. Review status: criteria provided, multiple submitters, no conflicts (2 of 4 stars). 2 submissions from 2 submitters: Uncertain significance (2). Last evaluated 2025-12-29.

Conditions:
Hereditary cancer-predisposing syndrome. Also called: Hereditary neoplastic syndrome; Neoplastic Syndromes, Hereditary; Tumor predisposition; Hereditary Cancer Syndrome. Identifiers: Orphanet 140162, MedGen C0027672, MeSH D009386, MONDO:0015356.

Submissions (2):

Center for Genomic Medicine, Rigshospitalet, Copenhagen University Hospital
Classification: Uncertain significance. Last evaluated: 2025-12-29. Review status: criteria provided, single submitter. Criteria: ACMG Guidelines, 2015. Collection method: clinical testing. Allele origin: germline.
Comment: Classification criteria: PM2_supporting, BP4_moderate

Ambry Genetics
Classification: Uncertain significance for Hereditary cancer-predisposing syndrome. Last evaluated: 2025-08-27. Review status: criteria provided, single submitter. Criteria: Ambry Variant Classification Scheme 2023. Collection method: clinical testing. Allele origin: germline.
Comment: The p.R115S variant (also known as c.345A>C), located in coding exon 3 of the MUTYH gene, results from an A to C substitution at nucleotide position 345. The arginine at codon 115 is replaced by serine, an amino acid with dissimilar properties. This amino acid position is conserved. In addition, this alteration is predicted to be tolerated by in silico analysis. Based on the available evidence, the clinical significance of this variant remains unclear.

NM_001048174.2(MUTYH):c.261A>C (p.Arg87Ser)

Gene: MUTYH (mutY DNA glycosylase; minus strand). Cytogenetic location: 1p34.1.
Variant type: single nucleotide variant.
Coding change: c.261A>C on transcript NM_001048174.2 (MANE Select); coding-DNA position 261, A replaced by C.
Protein change: p.Arg87Ser; replaces arginine 87 with serine.
Molecular consequence: missense variant. On other transcripts: 5 prime UTR variant (6), non-coding transcript variant (7).
Genome position (GRCh38, 1-based): chr1:45,333,416, T>G on the plus strand (A>C on the coding strand, the complement: MUTYH is on the minus strand). VCF-style: chr1-45333416-T-G. GRCh37 (hg19) VCF-style: chr1-45799088-T-G.
Other names: c.261A>C, p.Arg87Ser (NM_001048171.2, NM_001048173.2, NM_001293195.2 and 6 more transcripts); c.264A>C, p.Arg88Ser (NM_001048172.2, NM_001407071.1, NM_001407078.1 and 2 more transcripts); c.345A>C, p.Arg115Ser (NM_001128425.2); c.306A>C, p.Arg102Ser (NM_001293190.2); c.294A>C, p.Arg98Ser (NM_001293191.2, NM_001407077.1); c.-16A>C (NM_001293192.2, NM_001293196.2, NM_001407091.1); c.-11A>C (NM_001350650.2, NM_001350651.2, NM_001407082.1); c.336A>C, p.Arg112Ser (NM_001407069.1, NM_012222.3); and 3 more; short protein forms R112S, R102S, R59S, R101S, R94S, R98S, R115S, R87S.
Identifiers: ClinVar variation 4113609 (VCV004113609.2).